The following is an entry in ClinVar:

ClinVar aggregate classification (germline): Likely benign (1 of 4 stars; one submission).

Conditions:
DRC4-related condition.

gnomAD v4.1: 242 of 1,556,432 alleles (0.016%); highest among the groups gnomAD compares: African/African-American, 0.021%; no homozygotes.

Submission:

PreventionGenetics, part of Exact Sciences
Classification: Likely benign for DRC4-related condition. Last evaluated: 2025-07-07. Review status: criteria provided, single submitter. Criteria: ACMG Guidelines, 2015. Collection method: clinical testing. Allele origin: germline.
Comment: This variant is classified as likely benign based on ACMG/AMP sequence variant interpretation guidelines (Richards et al. 2015 PMID: 25741868, with internal and published modifications).

NM_001481.3(DRC4):c.*10T>C

Gene: DRC4 (dynein regulatory complex subunit 4; plus strand). Cytogenetic location: 16q24.3.
Variant type: single nucleotide variant.
Coding change: c.*10T>C on transcript NM_001481.3 (MANE Select); 10 bases downstream of the stop codon, T replaced by C.
Molecular consequence: 3 prime UTR variant. On other transcripts: non-coding transcript variant (1).
Genome position (GRCh38, 1-based): chr16:90,043,355, T>C. VCF-style: chr16-90043355-T-C. GRCh37 (hg19) VCF-style: chr16-90109763-T-C.
Other names: c.*10T>C (NM_001286205.2, NM_001286208.2, NM_001286209.2).
Identifiers: ClinVar variation 4981417 (VCV004981417.1).